The following is an entry in ClinVar:

NM_001376.5(DYNC1H1):c.1730A>T (p.Asn577Ile)

Gene: DYNC1H1 (dynein cytoplasmic 1 heavy chain 1; plus strand). Cytogenetic location: 14q32.31.
Variant type: single nucleotide variant.
Coding change: c.1730A>T on transcript NM_001376.5 (MANE Select); coding-DNA position 1730, A replaced by T.
Protein change: p.Asn577Ile; replaces asparagine 577 with isoleucine.
Molecular consequence: missense variant.
Genome position (GRCh38, 1-based): chr14:101,985,955, A>T. VCF-style: chr14-101985955-A-T. GRCh37 (hg19) VCF-style: chr14-102452292-A-T.
Other names: short protein forms N577I.
Identifiers: ClinVar variation 2746854 (VCV002746854.3), dbSNP rs1426952744, ClinGen allele CA391019144.
Genomic context (GRCh38, chr14:101,985,955, plus strand): 5'-TCGACAGAGTGGAGACCCGGATCACCGCTCGCCTTCGGGATCAGCTTGGCACAGCCAAGA[A>T]TGCCAACGAGATGTTTAGGATTTTCTCCAGGTTTAATGCACTGTTTGTCAGGCCTCACAT-3'
Protein context (NP_001367.2, residues 567-587): RLRDQLGTAK[Asn577Ile]ANEMFRIFSR

ClinVar aggregate classification (germline): Uncertain significance (1 of 4 stars; one submission).

Conditions:
Charcot-Marie-Tooth disease axonal type 2O. Also called: CHARCOT-MARIE-TOOTH NEUROPATHY, AXONAL, TYPE 2O; CHARCOT-MARIE-TOOTH DISEASE, AXONAL, AUTOSOMAL DOMINANT, TYPE 2O; Charcot-Marie-Tooth Neuropathy Type 2O; Charcot-Marie-Tooth disease, axonal, type 20. Identifiers: Orphanet 284232, MedGen C3280220, MONDO:0013644, OMIM 614228.

Allele frequency attached by ClinVar (database versions not stated): gnomAD exomes below 0.00001.
gnomAD v4.1: 2 of 1,614,198 alleles (0.00012%); highest among the groups gnomAD compares: Non-Finnish European, 0.00017%; no homozygotes.

Submission:

Labcorp Genetics (formerly Invitae), Labcorp
Classification: Uncertain significance for Charcot-Marie-Tooth disease axonal type 2O. Last evaluated: 2023-10-28. Review status: criteria provided, single submitter. Criteria: Invitae Variant Classification Sherloc (09022015). Collection method: clinical testing. Allele origin: germline.
Comment: This sequence change replaces asparagine, which is neutral and polar, with isoleucine, which is neutral and non-polar, at codon 577 of the DYNC1H1 protein (p.Asn577Ile). This variant is present in population databases (no rsID available, gnomAD 0.0009%). This variant has not been reported in the literature in individuals affected with DYNC1H1-related conditions. Advanced modeling of protein sequence and biophysical properties (such as structural, functional, and spatial information, amino acid conservation, physicochemical variation, residue mobility, and thermodynamic stability) performed at Invitae indicates that this missense variant is expected to disrupt DYNC1H1 protein function with a positive predictive value of 95%. In summary, the available evidence is currently insufficient to determine the role of this variant in disease. Therefore, it has been classified as a Variant of Uncertain Significance.